The following is an entry in ClinVar:

ClinVar aggregate classification (germline): Pathogenic/Likely pathogenic. Review status: criteria provided, multiple submitters, no conflicts (2 of 4 stars). 12 submissions from 12 submitters: Pathogenic (8); Likely pathogenic (3). 1 of the submissions does not count toward it. Last evaluated 2026-03-10.

Conditions:
ALPL-related disorder. Also called: ALPL-related disorders; ALPL-related condition.
Adult hypophosphatasia. Identifiers: Orphanet 247676, Orphanet 436, MedGen C0268413, MONDO:1010154, OMIM 146300, MONDO:0007798.
Childhood hypophosphatasia. Identifiers: Orphanet 247667, Orphanet 436, MedGen C0220743, MONDO:1010168, OMIM 241510, MONDO:0009428.
Infantile hypophosphatasia. Identifiers: Orphanet 247651, Orphanet 436, MedGen C0268412, MONDO:1010169, OMIM 241500, MONDO:0009427.
Hypophosphatasia. Also called: Phosphoethanol-aminuria. Identifiers: Orphanet 436, MedGen C0020630, MeSH D007014, MONDO:0018570.

Allele frequency attached by ClinVar (database versions not stated): gnomAD 0.00001; gnomAD exomes 0.00001; TOPMed 0.00001.

Submissions (12):

Clinical Biomedical Laboratory, Shriners Hospital For Children - Canada
Classification: Pathogenic for Adult hypophosphatasia. Last evaluated: 2026-03-10. Review status: criteria provided, single submitter. Criteria: ACMG Guidelines, 2015. Collection method: clinical testing. Allele origin: germline. Affected: yes.
Comment: This variant is rare in the Genome Aggregation Database v.2.1.1. This variant has been reported in the literature (PMID: 31707452). Functional studies have shown that this mutation decreases the activity of the enzyme to 1.3 - 5.8% of wildtype (PMID: 32160374,19500388). Based on the ACMG variant interpretation guidelines, the available evidence supports classification of this variant as pathogenic.

Labcorp Genetics (formerly Invitae), Labcorp
Classification: Pathogenic. Last evaluated: 2026-01-19. Review status: criteria provided, single submitter. Criteria: Invitae Variant Classification Sherloc (09022015). Collection method: clinical testing. Allele origin: germline.
Comment: This sequence change replaces threonine, which is neutral and polar, with methionine, which is neutral and non-polar, at codon 100 of the ALPL protein (p.Thr100Met). This variant is present in population databases (no rsID available, gnomAD 0.003%). This missense change has been observed in individual(s) with hypophosphatasia (PMID: 15660230, 26432670, 31707452). This variant is also known as T83M. ClinVar contains an entry for this variant (Variation ID: 812034). An algorithm developed to predict the effect of missense changes on protein structure and function (PolyPhen-2) suggests that this variant is likely to be disruptive. Experimental studies have shown that this missense change affects ALPL function (PMID: 19500388). For these reasons, this variant has been classified as Pathogenic.

Genomenon, Inc
Classification: Pathogenic for Hypophosphatasia. Last evaluated: 2025-08-29. Review status: criteria provided, single submitter. Criteria: Genomenon Sequence Variant Interpretation Standards. Collection method: curation. Allele origin: germline. Affected: yes.
Comment: ALPL c.299C>T is a missense variant that changes the amino acid at residue 100 from Threonine to Methionine. This variant has been observed in at least one proband affected with hypophosphatasia (PMID:38884565;32973344;19500388;32811521;26992955;26432670;18925618). At least one functional study has demonstrated a substantial alteration in protein function relative to the wild-type (PMID:32160374;19500388). This variant has also been reported as Thr83Met in the literature. It is absent or not present at a significant frequency in gnomAD. In silico models agree that this variant is possibly or probably damaging. In conclusion, we classify ALPL p.Thr100Met (c.299C>T) as a pathogenic variant.

GeneDx
Classification: Pathogenic. Last evaluated: 2025-07-26. Review status: criteria provided, single submitter. Criteria: GeneDx Variant Classification Process June 2021. Collection method: clinical testing. Allele origin: germline. Affected: yes.
Comment: Published functional studies demonstrate significantly reduced enzyme activity in transfected cells and a dominant negative effect when co-transfected with wildtype ALPL (PMID: 32160374; 19500388); Not observed at significant frequency in large population cohorts (gnomAD); In silico analysis supports that this missense variant has a deleterious effect on protein structure/function; This variant is associated with the following publications: (PMID: 19500388, 28436937, 34662886, 31707452, 32811521, 32973344, 26432670, 26992955, 37731773, 32160374, 38702915)

ARUP Laboratories, Molecular Genetics and Genomics, ARUP Laboratories
Classification: Pathogenic. Last evaluated: 2025-05-02. Review status: criteria provided, single submitter. Criteria: ARUP Molecular Germline Variant Investigation Process 2024. Collection method: clinical testing. Allele origin: germline.
Comment: The ALPL c.299C>T; p.Thr100Met variant (rs1201942473, ClinVar Variation ID 812034) is reported in the literature in multiple individuals affected with perinatal, infantile, childhood and adult hypophosphatasia (Del Angel 2020, Fauvert 2009, Maman 2016, Michigami 2020, Taillandier 2005), and in an individual with skeletal dysplasia (MacCarrick 2024). This variant is only observed on two alleles in the Genome Aggregation Database (v2.1.1), indicating it is not a common polymorphism. In vitro functional analyses of the variant protein demonstrate a dominant-negative effect with a significant reduction in alkaline phosphatase activity compared to wild type (Fauvert 2009, Del Angel 2020). Computational analyses predict that this variant is deleterious (REVEL: 0.953). Based on available information, this variant is considered to be pathogenic. References: Del Angel et al. Large-scale in vitro functional testing and novel variant scoring via protein modeling provide insights into alkaline phosphatase activity in hypophosphatasia. Hum Mutat. 2020 Jul;41(7):1250-1262. PMID: 32160374. Fauvert et al. Mild forms of hypophosphatasia mostly result from dominant negative effect of severe alleles or from compound heterozygosity for severe and moderate alleles. BMC Med Genet. 2009 Jun 6;10:51. PMID: 19500388. MacCarrick et al. Clinical utility of comprehensive gene panel testing for common and rare causes of skeletal dysplasia and other skeletal disorders: Results from the largest cohort to date. Am J Med Genet A. 2024 Sep;194(9):e63646. PMID: 38702915. Maman et al. Atypical femoral fracture in a 51-year-old woman: Revealing a hypophosphatasia. Joint Bone Spine. 2016 May;83(3):346-8. PMID: 26992955. Michigami et al. Hypophosphatasia in Japan: ALPL Mutation Analysis in 98 Unrelated Patients. Calcif Tissue Int. 2020 Mar;106(3):221-231. PMID: 31707452. Taillandier et al. Molecular diagnosis of hypophosphatasia and differential diagnosis by targeted Next Generation Sequencing. Mol Genet Metab. 2015 Nov;116(3):215-20.PMID: 26432670.

Women's Health and Genetics/Laboratory Corporation of America, LabCorp
Classification: Pathogenic for Hypophosphatasia. Last evaluated: 2024-09-05. Review status: criteria provided, single submitter. Criteria: LabCorp Variant Classification Summary - May 2015. Collection method: clinical testing. Allele origin: germline.
Comment: Variant summary: ALPL c.299C>T (p.Thr100Met) results in a non-conservative amino acid change in the encoded protein sequence. Five of five in-silico tools predict a damaging effect of the variant on protein function. The variant allele was found at a frequency of 8e-06 in 250596 control chromosomes. c.299C>T has been reported in the literature in multiple compound heterozygous, heterozygous, and homozygous individuals affected with perinatal lethal, infantile, childhood, or adult forms of hypophosphatasia (e.g. delAngel_2020). These data indicate that the variant is very likely to be associated with disease. At least one publication reports experimental evidence evaluating an impact on protein function. The most pronounced variant effect results in <10% of normal enzyme activity in vitro (e.g. delAngel_2020). The following publication has been ascertained in the context of this evaluation (PMID: 32160374). ClinVar contains an entry for this variant (Variation ID: 812034). Based on the evidence outlined above, the variant was classified as pathogenic.

Natera, Inc.
Classification: Likely pathogenic for Hypophosphatasia. Last evaluated: 2024-09-04. Review status: criteria provided, single submitter. Criteria: Natera Variant Classification Schema (03/2026). Collection method: clinical testing. Allele origin: germline.
Comment: The c.299C>T variant in ALPL is a missense variant predicted to cause substitution of threonine to methionine at amino acid 100. This variant is rare in the general population with a frequency below the threshold expected for the associated phenotype(s). This variant has been observed in one or more individuals affected with the associated recessive disease, as either homozygous or compound heterozygous with a second variant (PMID: 26992955, 32160374). Functional studies show that this variant may disrupt protein function (PMID: 19500388, 28436937). Computational prediction algorithms indicate this variant is likely to affect gene or protein function. Given the available evidence, this variant is classified as Likely Pathogenic.

Fulgent Genetics
Classification: Likely pathogenic for Adult hypophosphatasia; Infantile hypophosphatasia; Childhood hypophosphatasia. Last evaluated: 2024-03-12. Review status: criteria provided, single submitter. Criteria: ACMG Guidelines, 2015. Collection method: clinical testing. Allele origin: germline.

Baylor Genetics
Classification: Pathogenic for Adult hypophosphatasia. Last evaluated: 2024-01-18. Review status: criteria provided, single submitter. Criteria: ACMG Guidelines, 2015. Collection method: clinical testing. Allele origin: unknown.

Institute of Medical Genetics and Applied Genomics, University Hospital Tübingen
Classification: Pathogenic for Adult hypophosphatasia. Last evaluated: 2023-05-24. Review status: criteria provided, single submitter. Criteria: ACMG Guidelines, 2015. Collection method: clinical testing. Allele origin: germline. Inheritance: Autosomal dominant inheritance. Affected: yes.

CeGaT Center for Human Genetics Tuebingen
Classification: Likely pathogenic. Last evaluated: 2023-05-01. Review status: criteria provided, single submitter. Criteria: CeGaT Center For Human Genetics Tuebingen Variant Classification Criteria Version 2. Collection method: clinical testing. Allele origin: germline. Affected: yes. Observed: 1 variant allele.
Comment: ALPL: PM1, PS4:Moderate, PP4, PS3:Supporting

PreventionGenetics, part of Exact Sciences
Classification: Pathogenic for ALPL-related condition. Last evaluated: 2024-02-29. Review status: no assertion criteria provided. Collection method: clinical testing. Allele origin: germline. Not counted in ClinVar's aggregate classification.
Comment: The ALPL c.299C>T variant is predicted to result in the amino acid substitution p.Thr100Met. This variant along with another ALPL variant was reported in a patient with adult hypophosphatasia (Maman et al. 2016. PubMed ID: 26992955). This variant in the compound heterozygous condition along with another ALPL variant was also reported in one patient with perinatal hypophosphatasia (Taillandier et al. 2015. PubMed ID: 26432670). This variant in the heterozygous condition was reported in one patient with childhood hypophosphatasia (Fauvert et al. 2009. PubMed ID: 19500388). This variant is reported in 0.0033% of alleles in individuals of South Asian descent in gnomAD. Taken together, this variant is interpreted as pathogenic.

Literature cited by the submitters: PubMed 31707452 (cited by Clinical Biomedical Laboratory, Shriners Hospital For Children - Canada and Labcorp Genetics (formerly Invitae), Labcorp); PubMed 32160374 (cited by 4 submitters); PubMed 19500388 (cited by 4 submitters); PubMed 15660230 (cited by Labcorp Genetics (formerly Invitae), Labcorp); PubMed 26432670 (cited by Labcorp Genetics (formerly Invitae), Labcorp and Genomenon, Inc); PubMed 38884565 (cited by Genomenon, Inc); PubMed 32973344 (cited by Genomenon, Inc); PubMed 32811521 (cited by Genomenon, Inc); PubMed 26992955 (cited by Genomenon, Inc and Natera, Inc.); PubMed 18925618 (cited by Genomenon, Inc); PubMed 28436937 (cited by Natera, Inc.).

NM_000478.6(ALPL):c.299C>T (p.Thr100Met)

Gene: ALPL (alkaline phosphatase, biomineralization associated; plus strand). Cytogenetic location: 1p36.12.
Variant type: single nucleotide variant.
Coding change: c.299C>T on transcript NM_000478.6 (MANE Select); coding-DNA position 299, C replaced by T.
Protein change: p.Thr100Met; replaces threonine 100 with methionine.
Molecular consequence: missense variant.
Genome position (GRCh38, 1-based): chr1:21,563,111, C>T. VCF-style: chr1-21563111-C-T. GRCh37 (hg19) VCF-style: chr1-21889604-C-T.
Other names: c.299C>T (NM_000478.4, NM_000478.5); c.134C>T, p.Thr45Met (NM_001127501.4); c.68C>T, p.Thr23Met (NM_001177520.3); c.299C>T, p.Thr100Met (NM_001369803.2, NM_001369804.2, NM_001369805.2); short protein forms T100M, T23M, T45M.
Identifiers: ClinVar variation 812034 (VCV000812034.54), dbSNP rs1201942473, ClinGen allele CA338877051.